The following is an entry in ClinVar:

NM_033026.6(PCLO):c.9785C>T (p.Ser3262Phe)

Gene: PCLO (piccolo presynaptic cytomatrix protein; minus strand). Cytogenetic location: 7q21.11.
Variant type: single nucleotide variant.
Coding change: c.9785C>T on transcript NM_033026.6 (MANE Select); coding-DNA position 9785, C replaced by T.
Protein change: p.Ser3262Phe; replaces serine 3262 with phenylalanine.
Molecular consequence: missense variant.
Genome position (GRCh38, 1-based): chr7:82,950,803, G>A on the plus strand (C>T on the coding strand, the complement: PCLO is on the minus strand). VCF-style: chr7-82950803-G-A. GRCh37 (hg19) VCF-style: chr7-82580119-G-A.
Other names: c.9785C>T, p.Ser3262Phe (NM_014510.3); short protein forms S3262F.
Identifiers: ClinVar variation 1978237 (VCV001978237.4), dbSNP rs1255254741, ClinGen allele CA367906604.

ClinVar aggregate classification (germline): Uncertain significance (1 of 4 stars; one submission).

Allele frequency attached by ClinVar (database versions not stated): TOPMed below 0.00001; gnomAD exomes 0.00001.
gnomAD v4.1: 10 of 1,613,668 alleles (0.00062%); highest among the groups gnomAD compares: Non-Finnish European, 0.00085%; no homozygotes.

Submission:

Labcorp Genetics (formerly Invitae), Labcorp
Classification: Uncertain significance. Last evaluated: 2022-01-22. Review status: criteria provided, single submitter. Criteria: Invitae Variant Classification Sherloc (09022015). Collection method: clinical testing. Allele origin: germline.
Comment: In summary, the available evidence is currently insufficient to determine the role of this variant in disease. Therefore, it has been classified as a Variant of Uncertain Significance. Algorithms developed to predict the effect of missense changes on protein structure and function are either unavailable or do not agree on the potential impact of this missense change (SIFT: "Deleterious"; PolyPhen-2: "Not Available"; Align-GVGD: "Class C0"). This variant has not been reported in the literature in individuals affected with PCLO-related conditions. This variant is present in population databases (no rsID available, gnomAD 0.0009%). This sequence change replaces serine, which is neutral and polar, with phenylalanine, which is neutral and non-polar, at codon 3262 of the PCLO protein (p.Ser3262Phe).